The following is an entry in ClinVar:

ClinVar aggregate classification (germline): Benign/Likely benign. Review status: criteria provided, multiple submitters, no conflicts (2 of 4 stars). 3 submissions from 3 submitters: Benign (2); Likely benign (1). Last evaluated 2026-09-04.

Conditions:
WDR11-related disorder. Also called: WDR11-related condition.

Allele frequency attached by ClinVar (database versions not stated): 1000 Genomes Project 30x 0.00016; 1000 Genomes Project 0.00020; TOPMed 0.00035; gnomAD 0.00036 and 0.00046; ESP Exome Variant Server 0.00062; ExAC 0.00082; gnomAD exomes 0.00083 and 0.00106.
gnomAD v4.1: 1,598 of 1,613,866 alleles (0.099%); highest among the groups gnomAD compares: South Asian, 0.37%; 4 homozygotes.

Submissions (3):

PreventionGenetics, part of Exact Sciences
Classification: Likely benign for WDR11-related condition. Last evaluated: 2026-09-04. Review status: criteria provided, single submitter. Criteria: ACMG Guidelines, 2015. Collection method: clinical testing. Allele origin: germline.
Comment: This variant is classified as likely benign based on ACMG/AMP sequence variant interpretation guidelines (Richards et al. 2015 PMID: 25741868, with internal and published modifications).

CeGaT Center for Human Genetics Tuebingen
Classification: Benign. Last evaluated: 2026-07-01. Review status: criteria provided, single submitter. Criteria: CeGaT Center For Human Genetics Tuebingen Variant Classification Criteria Version 2. Collection method: clinical testing. Allele origin: germline. Affected: yes. Observed: 5 variant alleles.
Comment: WDR11: BS1, BS2

Labcorp Genetics (formerly Invitae), Labcorp
Classification: Benign. Last evaluated: 2025-12-08. Review status: criteria provided, single submitter. Criteria: Invitae Variant Classification Sherloc (09022015). Collection method: clinical testing. Allele origin: germline.

NM_018117.12(WDR11):c.2688-5C>G

Gene: WDR11 (WD repeat domain 11; plus strand). Cytogenetic location: 10q26.12.
Variant type: single nucleotide variant.
Coding change: c.2688-5C>G on transcript NM_018117.12 (MANE Select); 5 bases into the intron before coding-DNA position 2688, C replaced by G.
Molecular consequence: intron variant.
Genome position (GRCh38, 1-based): chr10:120,902,252, C>G. VCF-style: chr10-120902252-C-G. GRCh37 (hg19) VCF-style: chr10-122661764-C-G.
Identifiers: ClinVar variation 702872 (VCV000702872.33), dbSNP rs188669165, ClinGen allele CA5720093.
Genomic context (GRCh38, chr10:120,902,252, plus strand): 5'-AACCCCCATGCTTTATTGTTTGATTGAAAACTTTTGTCTCACTTTTGTCCGGATTTCTTC[C>G]ACAGTGACATAAAGAAACTGTTGCTTGATCCAGAATTCACTCTCTTGCAGAGGTGCCTGC-3'